The following is an entry in ClinVar:

NM_013352.4(DSE):c.2712C>G (p.Phe904Leu)

Gene: DSE (dermatan sulfate epimerase; plus strand). Cytogenetic location: 6q22.1.
Variant type: single nucleotide variant.
Coding change: c.2712C>G on transcript NM_013352.4 (MANE Select); coding-DNA position 2712, C replaced by G.
Protein change: p.Phe904Leu; replaces phenylalanine 904 with leucine.
Molecular consequence: missense variant. On other transcripts: 3 prime UTR variant (2), non-coding transcript variant (1).
Genome position (GRCh38, 1-based): chr6:116,437,180, C>G. VCF-style: chr6-116437180-C-G. GRCh37 (hg19) VCF-style: chr6-116758343-C-G.
Other names: c.2712C>G, p.Phe904Leu (NM_001080976.3, NM_001322937.2, NM_001322938.2); c.2769C>G, p.Phe923Leu (NM_001322939.2); c.2151C>G, p.Phe717Leu (NM_001322940.2, NM_001322941.2); c.*1577C>G (NM_001322943.2, NM_001322944.2); c.1713C>G, p.Phe571Leu (NM_001374520.1); c.1677C>G, p.Phe559Leu (NM_001374521.1); short protein forms F559L, F571L, F717L, F904L, F923L.
Identifiers: ClinVar variation 4688490 (VCV004688490.1).

ClinVar aggregate classification (germline): Uncertain significance (1 of 4 stars; one submission).

gnomAD v4.1: 2 of 1,614,130 alleles (0.00012%); highest among the groups gnomAD compares: Non-Finnish European, 0.00017%; no homozygotes.

Submission:

Women's Health and Genetics/Laboratory Corporation of America, LabCorp
Classification: Uncertain significance. Last evaluated: 2025-12-30. Review status: criteria provided, single submitter. Criteria: LabCorp Variant Classification Summary - May 2015. Collection method: clinical testing. Allele origin: germline.
Comment: Variant summary: DSE c.2712C>G (p.Phe904Leu) results in a non-conservative amino acid change in the encoded protein sequence. Algorithms developed to predict the effect of missense changes on protein structure and function are either unavailable or do not agree on the potential impact of this missense change. The variant allele was found at a frequency of 8e-06 in 251392 control chromosomes. The available data on variant occurrences in the general population are insufficient to allow any conclusion about variant significance. To our knowledge, no occurrence of c.2712C>G in individuals affected with DSE-related conditions and no experimental evidence demonstrating its impact on protein function have been reported. No submitters have cited clinical-significance assessments for this variant to ClinVar. Based on the evidence outlined above, the variant was classified as uncertain significance.